The following is an entry in ClinVar:

NM_000019.4(ACAT1):c.131T>C (p.Ile44Thr)

Gene: ACAT1 (acetyl-CoA acetyltransferase 1; plus strand). Cytogenetic location: 11q22.3.
Variant type: single nucleotide variant.
Coding change: c.131T>C on transcript NM_000019.4 (MANE Select); coding-DNA position 131, T replaced by C.
Protein change: p.Ile44Thr; replaces isoleucine 44 with threonine.
Molecular consequence: missense variant. On other transcripts: 5 prime UTR variant (10), non-coding transcript variant (2), intron variant (1).
Genome position (GRCh38, 1-based): chr11:108,133,830, T>C. VCF-style: chr11-108133830-T-C. GRCh37 (hg19) VCF-style: chr11-108004557-T-C.
Other names: c.131T>C, p.Ile44Thr (NM_001386677.1); c.-147T>C (NM_001386679.1); c.-140T>C (NM_001386681.1, NM_001386682.1, NM_001386685.1 and 6 more transcripts); c.120+1876T>C (NM_001386678.1); short protein forms I44T.
Identifiers: ClinVar variation 1172772 (VCV001172772.2), dbSNP rs2135334430, ClinGen allele CA382506224.

ClinVar aggregate classification (germline): Likely pathogenic (1 of 4 stars; one submission).

Conditions:
Deficiency of acetyl-CoA acetyltransferase. Also called: MITOCHONDRIAL ACETOACETYL-CoA THIOLASE DEFICIENCY; 3-KETOTHIOLASE DEFICIENCY; 3-OXOTHIOLASE DEFICIENCY; Beta-ketothiolase deficiency. Identifiers: Orphanet 134, MedGen C1536500, MONDO:0008760, OMIM 203750. Disease mechanism: loss of function.

Allele frequency attached by ClinVar (database versions not stated): gnomAD exomes below 0.00001.
gnomAD v4.1: 1 of 1,613,944 alleles (0.000062%); highest among the groups gnomAD compares: Non-Finnish European, 0.000085%; no homozygotes.

Submission:

The Laboratory of Genetics and Metabolism, Hunan Children’s Hospital
Classification: Likely pathogenic for Deficiency of acetyl-CoA acetyltransferase. Last evaluated: 2021-03-06. Review status: criteria provided, single submitter. Criteria: ACMG Guidelines, 2015. Collection method: research. Allele origin: germline. Affected: yes. Observed: 1 variant allele.
Comment: In compound heterozygosity following autosomal recessive inheritance.

Literature cited by the submitters: PubMed 34298581.